The following is an entry in ClinVar:

NM_002454.3(MTRR):c.1492G>A (p.Ala498Thr)

Gene: MTRR (5-methyltetrahydrofolate-homocysteine methyltransferase reductase; plus strand). Cytogenetic location: 5p15.31.
Variant type: single nucleotide variant.
Coding change: c.1492G>A on transcript NM_002454.3 (MANE Select); coding-DNA position 1492, G replaced by A.
Protein change: p.Ala498Thr; replaces alanine 498 with threonine.
Molecular consequence: missense variant. On other transcripts: non-coding transcript variant (14).
Genome position (GRCh38, 1-based): chr5:7,892,848, G>A. VCF-style: chr5-7892848-G-A. GRCh37 (hg19) VCF-style: chr5-7892961-G-A.
Other names: c.1492G>A, p.Ala498Thr (NM_001364440.2, NM_001364441.2, NM_001364442.2 and 1 more transcripts); short protein forms A498T.
Identifiers: ClinVar variation 938129 (VCV000938129.10), dbSNP rs1737849963, ClinGen allele CA359159031.
Genomic context (GRCh38, chr5:7,892,848, plus strand): 5'-ACTGCCACAACAGAGGTTCTGCGGAAGGGAGTATGTACAGGCTGGCTGGCCTTGTTGGTT[G>A]CTTCAGTTCTTCAGCCAAACATACATGCATCCCATGAAGACAGCGGGAAAGCCCTGGCTC-3'
Protein context (NP_002445.2, residues 488-508): VCTGWLALLV[Ala498Thr]SVLQPNIHAS

ClinVar aggregate classification (germline): Uncertain significance (1 of 4 stars; one submission).

Conditions:
Methylcobalamin deficiency type cblE (HMAE). Also called: HOMOCYSTINURIA-MEGALOBLASTIC ANEMIA, cblE COMPLEMENTATION TYPE; VITAMIN B12-RESPONSIVE HOMOCYSTINURIA, cblE TYPE; HOMOCYSTINURIA-MEGALOBLASTIC ANEMIA, cblE TYPE. Identifiers: Orphanet 2169, Orphanet 622, MedGen C1856057, MONDO:0009354, OMIM 236270.

Allele frequency attached by ClinVar (database versions not stated): gnomAD exomes below 0.00001.
gnomAD v4.1: 1 of 1,614,204 alleles (0.000062%); highest among the groups gnomAD compares: Admixed American, 0.0017%; no homozygotes.

Submission:

Labcorp Genetics (formerly Invitae), Labcorp
Classification: Uncertain significance for Methylcobalamin deficiency type cblE. Last evaluated: 2019-09-20. Review status: criteria provided, single submitter. Criteria: Invitae Variant Classification Sherloc (09022015). Collection method: clinical testing. Allele origin: germline.
Comment: In summary, the available evidence is currently insufficient to determine the role of this variant in disease. Therefore, it has been classified as a Variant of Uncertain Significance. Algorithms developed to predict the effect of missense changes on protein structure and function output the following: SIFT: "Tolerated"; PolyPhen-2: "Benign"; Align-GVGD: "Class C0". The threonine amino acid residue is found in multiple mammalian species, suggesting that this missense change does not adversely affect protein function. These predictions have not been confirmed by published functional studies and their clinical significance is uncertain. This variant has not been reported in the literature in individuals with MTRR-related conditions. This variant is not present in population databases (ExAC no frequency). This sequence change replaces alanine with threonine at codon 498 of the MTRR protein (p.Ala498Thr). The alanine residue is weakly conserved and there is a small physicochemical difference between alanine and threonine.